The following is an entry in ClinVar:

ClinVar aggregate classification (germline): Uncertain significance (1 of 4 stars; one submission).

Conditions:
Dyskeratosis congenita. Identifiers: Orphanet 1775, MedGen C0265965, MONDO:0015780.

Allele frequency attached by ClinVar (database versions not stated): gnomAD exomes below 0.00001.

Submission:

Labcorp Genetics (formerly Invitae), Labcorp
Classification: Uncertain significance for Dyskeratosis congenita. Last evaluated: 2024-11-30. Review status: criteria provided, single submitter. Criteria: Invitae Variant Classification Sherloc (09022015). Collection method: clinical testing. Allele origin: germline.
Comment: This sequence change affects codon 1031 of the CTC1 mRNA. It is a 'silent' change, meaning that it does not change the encoded amino acid sequence of the CTC1 protein. This variant is present in population databases (no rsID available, gnomAD 0.01%). This variant has not been reported in the literature in individuals affected with CTC1-related conditions. ClinVar contains an entry for this variant (Variation ID: 2063960). Algorithms developed to predict the effect of sequence changes on RNA splicing suggest that this variant may disrupt the consensus splice site. In summary, the available evidence is currently insufficient to determine the role of this variant in disease. Therefore, it has been classified as a Variant of Uncertain Significance.

NM_025099.6(CTC1):c.3093C>T (p.Ile1031=)

Gene: CTC1 (CST telomere replication complex component 1; minus strand). Cytogenetic location: 17p13.1.
Variant type: single nucleotide variant.
Coding change: c.3093C>T on transcript NM_025099.6 (MANE Select); coding-DNA position 3093, C replaced by T.
Protein change: p.Ile1031=; no amino-acid change (isoleucine 1031 retained).
Molecular consequence: synonymous variant. On other transcripts: non-coding transcript variant (1).
Genome position (GRCh38, 1-based): chr17:8,229,365, G>A on the plus strand (C>T on the coding strand, the complement: CTC1 is on the minus strand). VCF-style: chr17-8229365-G-A. GRCh37 (hg19) VCF-style: chr17-8132683-G-A.
Other names: c.3093C>T, p.Ile1031= (NM_001411067.1).
Identifiers: ClinVar variation 2063960 (VCV002063960.4), dbSNP rs1433446994, ClinGen allele CA497780131.